The following is an entry in ClinVar:

ClinVar aggregate classification (germline): Likely benign (0 of 4 stars; one submission).

Conditions:
FTCD-AS1-related disorder. Also called: FTCD-AS1-related condition.

gnomAD v4.1: 2 of 1,612,974 alleles (0.00012%); highest among the groups gnomAD compares: Non-Finnish European, 0.000085%; no homozygotes.

Submission:

PreventionGenetics, part of Exact Sciences
Classification: Likely benign for FTCD-AS1-related condition. Last evaluated: 2019-03-14. Review status: no assertion criteria provided. Collection method: clinical testing. Allele origin: germline.
Comment: This variant is classified as likely benign based on ACMG/AMP sequence variant interpretation guidelines (Richards et al. 2015 PMID: 25741868, with internal and published modifications).

NR_170989.1(FTCD-AS1):n.71A>G

Genes: FTCD (formimidoyltransferase cyclodeaminase; minus strand), FTCD-AS1 (FTCD antisense RNA 1; plus strand). Cytogenetic location: 21q22.3.
Variant type: single nucleotide variant.
Molecular consequence: synonymous variant (on NM_206965.2). On other transcripts: non-coding transcript variant (1).
Genome position: GRCh38 VCF-style: chr21-46151684-A-G. GRCh37 (hg19) VCF-style: chr21-47571598-A-G.
Other names: NM_001350598.1:c.150A>G; c.510T>C, p.Ser170= (NM_001320412.2, NM_006657.3, NM_206965.2).
Identifiers: ClinVar variation 3047787 (VCV003047787.2), dbSNP rs200490424, ClinGen allele CA513171150.